The following is an entry in ClinVar:

NM_000079.4(CHRNA1):c.1264G>A (p.Val422Ile)

Gene: CHRNA1 (cholinergic receptor nicotinic alpha 1 subunit; minus strand). Cytogenetic location: 2q31.1.
Variant type: single nucleotide variant.
Coding change: c.1264G>A on transcript NM_000079.4 (MANE Select); coding-DNA position 1264, G replaced by A.
Protein change: p.Val422Ile; replaces valine 422 with isoleucine.
Molecular consequence: missense variant.
Genome position (GRCh38, 1-based): chr2:174,748,234, C>T on the plus strand (G>A on the coding strand, the complement: CHRNA1 is on the minus strand). VCF-style: chr2-174748234-C-T. GRCh37 (hg19) VCF-style: chr2-175612962-C-T.
Other names: c.1264G>A (NM_000079.3); c.1339G>A, p.Val447Ile (NM_001039523.3); short protein forms V447I, V422I.
Identifiers: ClinVar variation 1376499 (VCV001376499.8), dbSNP rs754320308, ClinGen allele CA1974313.

ClinVar aggregate classification (germline): Uncertain significance. Review status: criteria provided, multiple submitters, no conflicts (2 of 4 stars). 2 submissions from 2 submitters: Uncertain significance (2). Last evaluated 2025-10-13.

Conditions:
Lethal multiple pterygium syndrome (LMPS). Identifiers: Orphanet 33108, MedGen C1854678, MONDO:0009668, OMIM 253290.

Allele frequency attached by ClinVar (database versions not stated): gnomAD 0.00001; TOPMed 0.00003; ExAC 0.00004; gnomAD exomes 0.00004.
gnomAD v4.1: 68 of 1,614,034 alleles (0.0042%); highest among the groups gnomAD compares: Admixed American, 0.0067%; no homozygotes.

Submissions (2):

Labcorp Genetics (formerly Invitae), Labcorp
Classification: Uncertain significance for Lethal multiple pterygium syndrome. Last evaluated: 2025-10-13. Review status: criteria provided, single submitter. Criteria: Invitae Variant Classification Sherloc (09022015). Collection method: clinical testing. Allele origin: germline.
Comment: This sequence change replaces valine, which is neutral and non-polar, with isoleucine, which is neutral and non-polar, at codon 422 of the CHRNA1 protein (p.Val422Ile). This variant is present in population databases (rs754320308, gnomAD 0.009%). This variant has not been reported in the literature in individuals affected with CHRNA1-related conditions. ClinVar contains an entry for this variant (Variation ID: 1376499). Invitae Evidence Modeling of protein sequence and biophysical properties (such as structural, functional, and spatial information, amino acid conservation, physicochemical variation, residue mobility, and thermodynamic stability) indicates that this missense variant is not expected to disrupt CHRNA1 protein function with a negative predictive value of 80%. In summary, the available evidence is currently insufficient to determine the role of this variant in disease. Therefore, it has been classified as a Variant of Uncertain Significance.

Revvity Omics, Revvity
Classification: Uncertain significance. Last evaluated: 2019-08-28. Review status: criteria provided, single submitter. Criteria: ACMG Guidelines, 2015. Collection method: clinical testing. Allele origin: germline.